The following is an entry in ClinVar:

ClinVar aggregate classification (germline): Likely pathogenic (1 of 4 stars; one submission).

Conditions:
Very long chain acyl-CoA dehydrogenase deficiency (ACADVLD). Also called: Very Long-Chain Acyl-Coenzyme A Dehydrogenase Deficiency; VLCAD Deficiency. Identifiers: Orphanet 26793, MedGen C3887523, MONDO:0008723, OMIM 201475.

Submission:

Myriad Genetics, Inc.
Classification: Likely pathogenic for Very long chain acyl-CoA dehydrogenase deficiency. Last evaluated: 2022-01-27. Review status: criteria provided, single submitter. Criteria: Myriad Women's Health Autosomal Recessive and X-Linked Classification Criteria (2021). Collection method: clinical testing. Allele origin: unknown.
Comment: NM_000018.3(ACADVL):c.1748C>A(S583*) is expected to be pathogenic in the context of very-long-chain acyl-CoA dehydrogenase deficiency. This variant is predicted to lead to an abnormal or absent protein product due to the creation of a premature termination codon in ACADVL, a gene where loss-of-function variants are known to be pathogenic. Please note: this variant was assessed in the context of healthy population screening.

NM_000018.4(ACADVL):c.1748C>A (p.Ser583Ter)

Genes: ACADVL (acyl-CoA dehydrogenase very long chain; plus strand), DVL2 (dishevelled segment polarity protein 2; minus strand). Cytogenetic location: 17p13.1.
Variant type: single nucleotide variant.
Coding change: c.1748C>A on transcript NM_000018.4 (MANE Select); coding-DNA position 1748, C replaced by A.
Protein change: p.Ser583Ter; replaces serine 583 with a stop codon.
Molecular consequence: nonsense.
Genome position (GRCh38, 1-based): chr17:7,224,711, C>A. VCF-style: chr17-7224711-C-A. GRCh37 (hg19) VCF-style: chr17-7128030-C-A.
Other names: c.1682C>A, p.Ser561Ter (NM_001033859.3); c.1817C>A, p.Ser606Ter (NM_001270447.2); c.1520C>A, p.Ser507Ter (NM_001270448.2); short protein forms S507*, S561*, S583*, S606*.
Identifiers: ClinVar variation 1725435 (VCV001725435.2), dbSNP rs1085307648, ClinGen allele CA397725789.
Genomic context (GRCh38, chr17:7,224,711, plus strand): 5'-TTCTGCTGCAGCGGCTGGCAGACGGGGCCATCGACCTCTATGCCATGGTGGTGGTTCTCT[C>A]GAGGTGAGGAGGCAGGCAGGGAATGCCTGAGCCGCAGGGGGCCTGGGCCTGGATCCCAGC-3'